The following is an entry in ClinVar:

NM_201384.3(PLEC):c.12142G>A (p.Ala4048Thr)

Gene: PLEC (plectin; minus strand). Cytogenetic location: 8q24.3.
Variant type: single nucleotide variant.
Coding change: c.12142G>A on transcript NM_201384.3 (MANE Select); coding-DNA position 12142, G replaced by A.
Protein change: p.Ala4048Thr; replaces alanine 4048 with threonine.
Molecular consequence: missense variant.
Genome position (GRCh38, 1-based): chr8:143,917,679, C>T on the plus strand (G>A on the coding strand, the complement: PLEC is on the minus strand). VCF-style: chr8-143917679-C-T. GRCh37 (hg19) VCF-style: chr8-144991847-C-T.
Other names: c.12223G>A, p.Ala4075Thr (NM_000445.5); c.12100G>A, p.Ala4034Thr (NM_201378.4); c.12076G>A, p.Ala4026Thr (NM_201379.3); c.12553G>A, p.Ala4185Thr (NM_201380.4); c.12046G>A, p.Ala4016Thr (NM_201381.3); c.12142G>A, p.Ala4048Thr (NM_201382.4); c.12154G>A, p.Ala4052Thr (NM_201383.3); short protein forms A4048T, A4052T, A4185T, A4026T, A4034T, A4016T, A4075T.
Identifiers: ClinVar variation 859156 (VCV000859156.13), dbSNP rs782570858, ClinGen allele CA4924172.

ClinVar aggregate classification (germline): Uncertain significance. Review status: criteria provided, multiple submitters, no conflicts (2 of 4 stars). 3 submissions from 3 submitters: Uncertain significance (3). Last evaluated 2026-02-22.

Conditions:
PLEC-related disorder. Also called: PLEC-related condition; PLEC-related disorders.
Autosomal recessive limb-girdle muscular dystrophy type 2Q (LGMDR17). Also called: MUSCULAR DYSTROPHY, LIMB-GIRDLE, AUTOSOMAL RECESSIVE 17. Identifiers: Orphanet 254361, MedGen C3150989, MONDO:0013390, OMIM 613723.
Epidermolysis bullosa simplex, Ogna type (EBS5A). Also called: Pidermolysis bullosa simplex 5A, Ogna type; EPIDERMOLYSIS BULLOSA SIMPLEX 5A, OGNA TYPE. Identifiers: Orphanet 79401, MedGen C0432317, MONDO:0007555, OMIM 131950.
Epidermolysis bullosa simplex with nail dystrophy (EBS5D). Identifiers: MedGen C4225309, MONDO:0014661, OMIM 616487.
Epidermolysis bullosa simplex 5C, with pyloric atresia (EBS5C). Also called: PLEC-Related Epidermolysis Bullosa with Pyloric Atresia; Epidermolysis bullosa simplex with pyloric atresia; PLEC1-Related Epidermolysis Bullosa with Pyloric Atresia. Identifiers: Orphanet 158684, MedGen C2677349, MONDO:0012807, OMIM 612138.
Epidermolysis bullosa simplex 5B, with muscular dystrophy (EBS5B). Also called: EPIDERMOLYSIS BULLOSA SIMPLEX AND LIMB-GIRDLE MUSCULAR DYSTROPHY; Epidermolysis bullosa simplex with muscular dystrophy. Identifiers: Orphanet 257, MedGen C2931072, MONDO:0009181, OMIM 226670.

Allele frequency attached by ClinVar (database versions not stated): gnomAD exomes 0.00001 and 0.00002; ExAC 0.00002; gnomAD 0.00003; TOPMed 0.00003.
gnomAD v4.1: 26 of 1,613,486 alleles (0.0016%); highest among the groups gnomAD compares: Middle Eastern, 0.016%; no homozygotes.

Submissions (3):

PreventionGenetics, part of Exact Sciences
Classification: Uncertain significance for PLEC-related condition. Last evaluated: 2026-02-22. Review status: criteria provided, single submitter. Criteria: ACMG Guidelines, 2015. Collection method: clinical testing. Allele origin: germline.
Comment: The PLEC c.12223G>A variant is predicted to result in the amino acid substitution p.Ala4075Thr. To our knowledge, this variant has not been reported in the literature. This variant is reported in 0.012% of alleles in individuals of African descent in gnomAD. At this time, the clinical significance of this variant is uncertain due to the absence of conclusive functional and genetic evidence.

Labcorp Genetics (formerly Invitae), Labcorp
Classification: Uncertain significance for Autosomal recessive limb-girdle muscular dystrophy type 2Q; Epidermolysis bullosa simplex, Ogna type; Epidermolysis bullosa simplex with nail dystrophy; Epidermolysis bullosa simplex 5C, with pyloric atresia; Epidermolysis bullosa simplex 5B, with muscular dystrophy. Last evaluated: 2025-08-15. Review status: criteria provided, single submitter. Criteria: Invitae Variant Classification Sherloc (09022015). Collection method: clinical testing. Allele origin: germline.
Comment: This sequence change replaces alanine, which is neutral and non-polar, with threonine, which is neutral and polar, at codon 4075 of the PLEC protein (p.Ala4075Thr). This variant is present in population databases (rs782570858, gnomAD 0.008%). This variant has not been reported in the literature in individuals affected with PLEC-related conditions. ClinVar contains an entry for this variant (Variation ID: 859156). Invitae Evidence Modeling of protein sequence and biophysical properties (such as structural, functional, and spatial information, amino acid conservation, physicochemical variation, residue mobility, and thermodynamic stability) has been performed for this missense variant. However, the output from this modeling did not meet the statistical confidence thresholds required to predict the impact of this variant on PLEC protein function. In summary, the available evidence is currently insufficient to determine the role of this variant in disease. Therefore, it has been classified as a Variant of Uncertain Significance.

Revvity Omics, Revvity
Classification: Uncertain significance. Last evaluated: 2021-07-02. Review status: criteria provided, single submitter. Criteria: ACMG Guidelines, 2015. Collection method: clinical testing. Allele origin: germline.